The following is an entry in ClinVar:

NM_001374259.2(IL12RB2):c.1946+8G>A

Gene: IL12RB2 (interleukin 12 receptor subunit beta 2; plus strand). Cytogenetic location: 1p31.3.
Variant type: single nucleotide variant.
Coding change: c.1946+8G>A on transcript NM_001374259.2 (MANE Select); 8 bases into the intron after coding-DNA position 1946, G replaced by A.
Molecular consequence: intron variant.
Genome position (GRCh38, 1-based): chr1:67,386,677, G>A. VCF-style: chr1-67386677-G-A. GRCh37 (hg19) VCF-style: chr1-67852360-G-A.
Other names: c.1946+8G>A (NM_001258214.1, NM_001319233.1, NM_001559.3); c.1855+6554G>A (NM_001258216.1); c.1688+8G>A (NM_001258215.1).
Identifiers: ClinVar variation 2768073 (VCV002768073.3), dbSNP rs2523435060, ClinGen allele CA2646129068.

ClinVar aggregate classification (germline): Uncertain significance (1 of 4 stars; one submission).

Submission:

Labcorp Genetics (formerly Invitae), Labcorp
Classification: Uncertain significance. Last evaluated: 2024-04-25. Review status: criteria provided, single submitter. Criteria: Invitae Variant Classification Sherloc (09022015). Collection method: clinical testing. Allele origin: germline.
Comment: This sequence change falls in intron 14 of the IL12RB2 gene. It does not directly change the encoded amino acid sequence of the IL12RB2 protein. This variant is not present in population databases (gnomAD no frequency). This variant has not been reported in the literature in individuals affected with IL12RB2-related conditions. Algorithms developed to predict the effect of sequence changes on RNA splicing suggest that this variant may disrupt the consensus splice site. In summary, the available evidence is currently insufficient to determine the role of this variant in disease. Therefore, it has been classified as a Variant of Uncertain Significance.